The following is an entry in ClinVar:

NM_004304.5(ALK):c.2163A>G (p.Lys721=)

Gene: ALK (ALK receptor tyrosine kinase; minus strand). Cytogenetic location: 2p23.2.
Variant type: single nucleotide variant.
Coding change: c.2163A>G on transcript NM_004304.5 (MANE Select); coding-DNA position 2163, A replaced by G.
Protein change: p.Lys721=; no amino-acid change (lysine 721 retained).
Molecular consequence: synonymous variant.
Genome position (GRCh38, 1-based): chr2:29,251,146, T>C on the plus strand (A>G on the coding strand, the complement: ALK is on the minus strand). VCF-style: chr2-29251146-T-C. GRCh37 (hg19) VCF-style: chr2-29474012-T-C.
Identifiers: ClinVar variation 4084362 (VCV004084362.8).

ClinVar aggregate classification (germline): Likely benign (1 of 4 stars; one submission).

Submission:

CeGaT Center for Human Genetics Tuebingen
Classification: Likely benign. Last evaluated: 2025-08-01. Review status: criteria provided, single submitter. Criteria: CeGaT Center For Human Genetics Tuebingen Variant Classification Criteria Version 2. Collection method: clinical testing. Allele origin: germline. Affected: yes. Observed: 1 variant allele.
Comment: ALK: PM2:Supporting, BP4, BP7